The following is an entry in ClinVar:

ClinVar aggregate classification (germline): Uncertain significance (1 of 4 stars; one submission).

Submission:

Ambry Genetics
Classification: Uncertain significance. Last evaluated: 2024-04-16. Review status: criteria provided, single submitter. Criteria: Ambry Variant Classification Scheme 2023. Collection method: clinical testing. Allele origin: germline.
Comment: The p.P795Q variant (also known as c.2384C>A), located in coding exon 4 of the ALPK2 gene, results from a C to A substitution at nucleotide position 2384. The proline at codon 795 is replaced by glutamine, an amino acid with similar properties. This amino acid position is conserved. In addition, this alteration is predicted to be tolerated by in silico analysis. Based on the available evidence, the clinical significance of this variant remains unclear.

NM_052947.4(ALPK2):c.2384C>A (p.Pro795Gln)

Gene: ALPK2 (alpha kinase 2; minus strand). Cytogenetic location: 18q21.31.
Variant type: single nucleotide variant.
Coding change: c.2384C>A on transcript NM_052947.4 (MANE Select); coding-DNA position 2384, C replaced by A.
Protein change: p.Pro795Gln; replaces proline 795 with glutamine.
Molecular consequence: missense variant.
Genome position (GRCh38, 1-based): chr18:58,537,803, G>T on the plus strand (C>A on the coding strand, the complement: ALPK2 is on the minus strand). VCF-style: chr18-58537803-G-T. GRCh37 (hg19) VCF-style: chr18-56205035-G-T.
Other names: short protein forms P795Q.
Identifiers: ClinVar variation 3290079 (VCV003290079.1).
Genomic context (GRCh38, chr18:58,537,803, plus strand): 5'-CACGTTCCTTGGTCACCAGCCTCAAAACACTCCATTGCACACACTGCTTCTCTGTCCCTT[G>T]GCTCATCACACACATTTTCCAGGGTGAGGGCAGTATCTGTGGGTTCAGGGGAAGCAACAG-3'
Protein context (NP_443179.3, residues 785-805): ALTLENVCDE[Pro795Gln]RDREAVCAME